The following is an entry in ClinVar:

NM_006118.4(HAX1):c.427G>A (p.Gly143Arg)

Gene: HAX1 (HCLS1 associated protein X-1; plus strand). Cytogenetic location: 1q21.3.
Variant type: single nucleotide variant.
Coding change: c.427G>A on transcript NM_006118.4 (MANE Select); coding-DNA position 427, G replaced by A.
Protein change: p.Gly143Arg; replaces glycine 143 with arginine.
Molecular consequence: missense variant.
Genome position (GRCh38, 1-based): chr1:154,273,884, G>A. VCF-style: chr1-154273884-G-A. GRCh37 (hg19) VCF-style: chr1-154246360-G-A.
Other names: c.283G>A, p.Gly95Arg (NM_001018837.2); short protein forms G143R, G95R.
Identifiers: ClinVar variation 1014690 (VCV001014690.9), dbSNP rs1001874105, ClinGen allele CA30770124.
Genomic context (GRCh38, chr1:154,273,884, plus strand): 5'-CAGACACTTCGGGACTCAATGCTTAAGTATCCAGATAGTCACCAGCCCAGGATCTTTGGG[G>A]GGGTCTTGGAGAGTGATGCAAGAAGTGAATCCCCCCAACCAGCACCAGACTGGGGCTCCC-3'
Protein context (NP_006109.2, residues 133-153): PDSHQPRIFG[Gly143Arg]VLESDARSES

ClinVar aggregate classification (germline): Uncertain significance (1 of 4 stars; one submission).

Conditions:
Kostmann syndrome (SCN3). Also called: Autosomal recessive severe congenital neutropenia type 3; KOSTMANN DISEASE. Identifiers: Orphanet 99749, MedGen C5235141, MONDO:0012548, OMIM 610738.

Allele frequency attached by ClinVar (database versions not stated): gnomAD exomes below 0.00001.

Submission:

Labcorp Genetics (formerly Invitae), Labcorp
Classification: Uncertain significance for Kostmann syndrome. Last evaluated: 2020-02-17. Review status: criteria provided, single submitter. Criteria: Invitae Variant Classification Sherloc (09022015). Collection method: clinical testing. Allele origin: germline.
Comment: In summary, the available evidence is currently insufficient to determine the role of this variant in disease. Therefore, it has been classified as a Variant of Uncertain Significance. Algorithms developed to predict the effect of missense changes on protein structure and function output the following: SIFT: "Tolerated"; PolyPhen-2: "Benign"; Align-GVGD: "Class C0". The arginine amino acid residue is found in multiple mammalian species, suggesting that this missense change does not adversely affect protein function. These predictions have not been confirmed by published functional studies and their clinical significance is uncertain. This variant has not been reported in the literature in individuals with HAX1-related conditions. This variant is not present in population databases (ExAC no frequency). This sequence change replaces glycine with arginine at codon 143 of the HAX1 protein (p.Gly143Arg). The glycine residue is moderately conserved and there is a moderate physicochemical difference between glycine and arginine.